The following is an entry in ClinVar:

NM_000238.4(KCNH2):c.2055C>T (p.Arg685=)

Gene: KCNH2 (potassium voltage-gated channel subfamily H member 2; minus strand). Cytogenetic location: 7q36.1.
Variant type: single nucleotide variant.
Coding change: c.2055C>T on transcript NM_000238.4 (MANE Select); coding-DNA position 2055, C replaced by T.
Protein change: p.Arg685=; no amino-acid change (arginine 685 retained).
Molecular consequence: synonymous variant. On other transcripts: non-coding transcript variant (2).
Genome position (GRCh38, 1-based): chr7:150,951,011, G>A on the plus strand (C>T on the coding strand, the complement: KCNH2 is on the minus strand). VCF-style: chr7-150951011-G-A. GRCh37 (hg19) VCF-style: chr7-150648099-G-A.
Other names: c.1035C>T, p.Arg345= (NM_001204798.2, NM_172057.3); c.1767C>T, p.Arg589= (NM_001406753.1, NM_001406756.1); c.1878C>T, p.Arg626= (NM_001406755.1); c.1755C>T, p.Arg585= (NM_001406757.1); c.2055C>T, p.Arg685= (NM_172056.3).
Identifiers: ClinVar variation 509176 (VCV000509176.31), dbSNP rs753149816, ClinGen allele CA030525.

ClinVar aggregate classification (germline): Likely benign. Review status: criteria provided, multiple submitters, no conflicts (2 of 4 stars). 7 submissions from 7 submitters: Likely benign (7). Last evaluated 2026-01-27.

Conditions:
Cardiovascular phenotype. Identifiers: MedGen CN230736.
Cardiac arrhythmia. Also called: Arrhythmia; Cardiac rhythm disease. Identifiers: MedGen C0003811, MONDO:0007263, HP:0011675.
Long QT syndrome (LQTS). Identifiers: MedGen C0023976, MeSH D008133, MONDO:0002442. Disease mechanism: loss of function. Inheritance: Various modes of inheritance.

Allele frequency attached by ClinVar (database versions not stated): ExAC 0.00002; gnomAD exomes 0.00003; TOPMed 0.00004; gnomAD 0.00005.
gnomAD v4.1: 52 of 1,614,146 alleles (0.0032%); highest among the groups gnomAD compares: Admixed American, 0.0067%; no homozygotes.

Submissions (7):

Labcorp Genetics (formerly Invitae), Labcorp
Classification: Likely benign for Long QT syndrome. Last evaluated: 2026-01-27. Review status: criteria provided, single submitter. Criteria: Invitae Variant Classification Sherloc (09022015). Collection method: clinical testing. Allele origin: germline.

All of Us Research Program, National Institutes of Health
Classification: Likely benign for Long QT syndrome. Last evaluated: 2023-12-18. Review status: criteria provided, single submitter. Criteria: ACMG Guidelines, 2015. Collection method: clinical testing. Allele origin: germline. Inheritance: Autosomal dominant inheritance. Observed: 15 variant alleles, 15 heterozygotes.
Comment: This study involves interpretation of variants in research participants for the purpose of population health screening. Participant phenotype was not available at the time of variant classification. Additional details can be found in publication PMID: 35346344, PMCID: PMC8962531

Blueprint Genetics
Classification: Likely benign. Last evaluated: 2023-12-12. Review status: criteria provided, single submitter. Criteria: ACMG Guidelines, 2015. Collection method: clinical testing. Allele origin: germline.

Ambry Genetics
Classification: Likely benign for Cardiovascular phenotype. Last evaluated: 2021-06-03. Review status: criteria provided, single submitter. Criteria: Ambry Variant Classification Scheme 2023. Collection method: clinical testing. Allele origin: germline.

Women's Health and Genetics/Laboratory Corporation of America, LabCorp
Classification: Likely benign. Last evaluated: 2021-05-23. Review status: criteria provided, single submitter. Criteria: LabCorp Variant Classification Summary - May 2015. Collection method: clinical testing. Allele origin: germline.

Color Diagnostics, LLC DBA Color Health
Classification: Likely benign for Arrhythmia. Last evaluated: 2018-11-09. Review status: criteria provided, single submitter. Criteria: ACMG Guidelines, 2015. Collection method: clinical testing. Allele origin: germline.

GeneDx
Classification: Likely benign. Last evaluated: 2017-04-26. Review status: criteria provided, single submitter. Criteria: GeneDx Variant Classification (06012015). Collection method: clinical testing. Allele origin: germline. Affected: yes.
Comment: This variant is considered likely benign or benign based on one or more of the following criteria: it is a conservative change, it occurs at a poorly conserved position in the protein, it is predicted to be benign by multiple in silico algorithms, and/or has population frequency not consistent with disease.